The following is an entry in ClinVar:

NM_138420.4(AHNAK2):c.10169A>G (p.His3390Arg)

Gene: AHNAK2 (AHNAK nucleoprotein 2; minus strand). Cytogenetic location: 14q32.33.
Variant type: single nucleotide variant.
Coding change: c.10169A>G on transcript NM_138420.4 (MANE Select); coding-DNA position 10169, A replaced by G.
Protein change: p.His3390Arg; replaces histidine 3390 with arginine.
Molecular consequence: missense variant.
Genome position (GRCh38, 1-based): chr14:104,945,282, T>C on the plus strand (A>G on the coding strand, the complement: AHNAK2 is on the minus strand). VCF-style: chr14-104945282-T-C. GRCh37 (hg19) VCF-style: chr14-105411619-T-C.
Other names: c.9869A>G, p.His3290Arg (NM_001350929.2); short protein forms H3290R, H3390R.
Identifiers: ClinVar variation 2644678 (VCV002644678.24), dbSNP rs200461684, ClinGen allele CA7379265.

ClinVar aggregate classification (germline): Benign (1 of 4 stars; one submission).

Allele frequency attached by ClinVar (database versions not stated): 1000 Genomes Project 0.00020; 1000 Genomes Project 30x 0.00047; TOPMed 0.00057; gnomAD 0.00090; ESP Exome Variant Server 0.00092; gnomAD exomes 0.00117; ExAC 0.00121.
gnomAD v4.1: 1,841 of 1,612,922 alleles (0.11%); highest among the groups gnomAD compares: Non-Finnish European, 0.13%; 1 homozygote.

Submission:

CeGaT Center for Human Genetics Tuebingen
Classification: Benign. Last evaluated: 2022-11-01. Review status: criteria provided, single submitter. Criteria: CeGaT Center For Human Genetics Tuebingen Variant Classification Criteria Version 2. Collection method: clinical testing. Allele origin: germline. Affected: yes. Observed: 2 variant alleles.
Comment: AHNAK2: BS1, BS2